The following continues an entry in ClinVar:

NM_000152.5(GAA):c.2238G>C (p.Trp746Cys)

Gene: GAA. ClinVar aggregate classification (germline): Pathogenic. Pathogenic (1).

Submissions 29 to 32 of 32:

Juno Genomics, Hangzhou Juno Genomics, Inc
Classification: Pathogenic for Glycogen storage disease, type II. Review status: criteria provided, single submitter. Criteria: ACMG Guidelines, 2015. Collection method: clinical testing. Allele origin: germline. Not counted in ClinVar's aggregate classification.
Comment: Absent from controls (or at extremely low frequency if recessive) in Genome Aggregation Database.;Well-established in vitro or in vivo functional studies supportive of a damaging effect on the gene or gene product.;For recessive disorders, detected in trans with a pathogenic variant.

Mayo Clinic Laboratories, Mayo Clinic
Classification: Pathogenic. Last evaluated: 2017-01-03. Review status: no assertion criteria provided. Collection method: clinical testing. Allele origin: unknown. Not counted in ClinVar's aggregate classification.

Clinical Genetics DNA and cytogenetics Diagnostics Lab, Erasmus MC, Erasmus Medical Center
Classification: Pathogenic. Review status: no assertion criteria provided. Collection method: clinical testing. Allele origin: germline. Affected: yes. Study: VKGL Data-share Consensus. Not counted in ClinVar's aggregate classification.

Genome Diagnostics Laboratory, University Medical Center Utrecht
Classification: Likely pathogenic. Review status: no assertion criteria provided. Collection method: clinical testing. Allele origin: germline. Affected: yes. Study: VKGL Data-share Consensus. Not counted in ClinVar's aggregate classification.

Literature cited by the submitters: PubMed 7866409 (cited by Ambry Genetics); PubMed 9535769 (cited by 8 submitters); PubMed 18458862 (cited by 11 submitters); PubMed 21232767 (cited by 8 submitters); PubMed 21757382 (cited by 11 submitters); PubMed 23430493 (cited by 10 submitters); PubMed 25093132 (cited by 7 submitters); PubMed 25526786 (cited by 12 submitters); PubMed 27099502 (cited by 7 submitters); PubMed 27363342 (cited by 3 submitters); PubMed 27692865 (cited by Ambry Genetics); PubMed 28433475 (cited by 3 submitters); PubMed 29451150 (cited by Ambry Genetics and AiLife Diagnostics); PubMed 30360039 (cited by Ambry Genetics); PubMed 32126021 (cited by Ambry Genetics and Victorian Clinical Genetics Services, Murdoch Childrens Research Institute); PubMed 33202836 (cited by Ambry Genetics and Genomenon, Inc); PubMed 33673364 (cited by Ambry Genetics and AiLife Diagnostics); PubMed 35071497 (cited by Ambry Genetics and Genomenon, Inc); PubMed 35386406 (cited by Ambry Genetics and Genomenon, Inc); PubMed 35795986 (cited by Ambry Genetics and Genomenon, Inc); PubMed 39010129 (cited by Genomenon, Inc); PubMed 38739391 (cited by Genomenon, Inc); PubMed 36237614 (cited by Genomenon, Inc); PubMed 36137614 (cited by Genomenon, Inc); PubMed 34995642 (cited by Genomenon, Inc); PubMed 34647686 (cited by Genomenon, Inc); PubMed 7981676 (cited by 7 submitters); PubMed 18425781 (cited by 3billion); PubMed 31931849 (cited by Victorian Clinical Genetics Services, Murdoch Childrens Research Institute); PubMed 31589614 (cited by AiLife Diagnostics); PubMed 31980526 (cited by AiLife Diagnostics); PubMed 31953985 (cited by AiLife Diagnostics); PubMed 30275481 (cited by AiLife Diagnostics); PubMed 30943998 (cited by AiLife Diagnostics); PubMed 24444888 (cited by Laboratory for Molecular Medicine, Mass General Brigham Personalized Medicine).